The following is an entry in ClinVar:

NM_015447.4(CAMSAP1):c.884A>C (p.Glu295Ala)

Gene: CAMSAP1 (calmodulin regulated spectrin associated protein 1; minus strand). Cytogenetic location: 9q34.3.
Variant type: single nucleotide variant.
Coding change: c.884A>C on transcript NM_015447.4 (MANE Select); coding-DNA position 884, A replaced by C.
Protein change: p.Glu295Ala; replaces glutamic acid 295 with alanine.
Molecular consequence: missense variant.
Genome position (GRCh38, 1-based): chr9:135,850,386, T>G on the plus strand (A>C on the coding strand, the complement: CAMSAP1 is on the minus strand). VCF-style: chr9-135850386-T-G. GRCh37 (hg19) VCF-style: chr9-138742232-T-G.
Other names: c.50A>C, p.Glu17Ala (NM_001411031.1); short protein forms E17A, E295A.
Identifiers: ClinVar variation 2581889 (VCV002581889.1), dbSNP rs767088236, ClinGen allele CA5329107.

ClinVar aggregate classification (germline): Uncertain significance (1 of 4 stars; one submission).

Allele frequency attached by ClinVar (database versions not stated): ExAC 0.00001.

Submission:

GeneDx
Classification: Uncertain significance. Last evaluated: 2022-10-17. Review status: criteria provided, single submitter. Criteria: GeneDx Variant Classification Process June 2021. Collection method: clinical testing. Allele origin: germline. Affected: yes.
Comment: In silico analysis supports that this missense variant has a deleterious effect on protein structure/function; Has not been previously published as pathogenic or benign to our knowledge; Variants in candidate genes are classified as variants of uncertain significance in accordance with ACMG guidelines (Richards et al., 2015)